The following is an entry in ClinVar:

NM_000038.6(APC):c.5048A>G (p.Glu1683Gly)

Gene: APC (APC regulator of Wnt signaling pathway; plus strand). Cytogenetic location: 5q22.2.
Variant type: single nucleotide variant.
Coding change: c.5048A>G on transcript NM_000038.6 (MANE Select); coding-DNA position 5048, A replaced by G.
Protein change: p.Glu1683Gly; replaces glutamic acid 1683 with glycine.
Molecular consequence: missense variant.
Genome position (GRCh38, 1-based): chr5:112,840,642, A>G. VCF-style: chr5-112840642-A-G. GRCh37 (hg19) VCF-style: chr5-112176339-A-G.
Other names: c.5048A>G, p.Glu1683Gly (NM_001127510.3, NM_001354895.2); c.4994A>G, p.Glu1665Gly (NM_001127511.3); c.5102A>G, p.Glu1701Gly (NM_001354896.2); c.5078A>G, p.Glu1693Gly (NM_001354897.2); c.4973A>G, p.Glu1658Gly (NM_001354898.2); c.4964A>G, p.Glu1655Gly (NM_001354899.2); c.4925A>G, p.Glu1642Gly (NM_001354900.2); c.4871A>G, p.Glu1624Gly (NM_001354901.2); and 5 more; short protein forms E1582G, E1642G, E1400G, E1523G, E1592G, E1658G, E1693G, E1655G.
Identifiers: ClinVar variation 1479573 (VCV001479573.8), dbSNP rs1240605386, ClinGen allele CA16032370.

ClinVar aggregate classification (germline): Uncertain significance (1 of 4 stars; one submission).

Conditions:
Familial adenomatous polyposis 1 (FAP1). Also called: FAMILIAL ADENOMATOUS POLYPOSIS 1, ATTENUATED; POLYPOSIS, ADENOMATOUS INTESTINAL. Identifiers: MedGen C2713442, MONDO:0021056, OMIM 175100. Disease mechanism: loss of function.

Allele frequency attached by ClinVar (database versions not stated): gnomAD exomes below 0.00001.
gnomAD v4.1: 1 of 1,614,024 alleles (0.000062%); highest among the groups gnomAD compares: Admixed American, 0.0017%; no homozygotes.

Submission:

Labcorp Genetics (formerly Invitae), Labcorp
Classification: Uncertain significance for Familial adenomatous polyposis 1. Last evaluated: 2025-12-23. Review status: criteria provided, single submitter. Criteria: Invitae Variant Classification Sherloc (09022015). Collection method: clinical testing. Allele origin: germline.
Comment: This sequence change replaces glutamic acid, which is acidic and polar, with glycine, which is neutral and non-polar, at codon 1683 of the APC protein (p.Glu1683Gly). This variant is present in population databases (no rsID available, gnomAD 0.003%). This variant has not been reported in the literature in individuals affected with APC-related conditions. ClinVar contains an entry for this variant (Variation ID: 1479573). Invitae Evidence Modeling of protein sequence and biophysical properties (such as structural, functional, and spatial information, amino acid conservation, physicochemical variation, residue mobility, and thermodynamic stability) indicates that this missense variant is not expected to disrupt APC protein function with a negative predictive value of 95%. In summary, the available evidence is currently insufficient to determine the role of this variant in disease. Therefore, it has been classified as a Variant of Uncertain Significance.